The following is an entry in ClinVar:

ClinVar aggregate classification (germline): Uncertain significance (1 of 4 stars; one submission).

gnomAD v4.1: 2 of 1,610,538 alleles (0.00012%); highest among the groups gnomAD compares: Non-Finnish European, 0.000085%; no homozygotes.

Submission:

Ambry Genetics
Classification: Uncertain significance. Last evaluated: 2024-06-22. Review status: criteria provided, single submitter. Criteria: Ambry Variant Classification Scheme 2023. Collection method: clinical testing. Allele origin: germline.
Comment: The p.P2L variant (also known as c.5C>T), located in coding exon 1 of the PKP4 gene, results from a C to T substitution at nucleotide position 5. The proline at codon 2 is replaced by leucine, an amino acid with similar properties. This amino acid position is conserved. In addition, the in silico prediction for this alteration is inconclusive. Based on the available evidence, the clinical significance of this variant remains unclear.

NM_003628.6(PKP4):c.5C>T (p.Pro2Leu)

Gene: PKP4 (plakophilin 4; plus strand). Cytogenetic location: 2q24.1.
Variant type: single nucleotide variant.
Coding change: c.5C>T on transcript NM_003628.6 (MANE Select); coding-DNA position 5, C replaced by T.
Protein change: p.Pro2Leu; replaces proline 2 with leucine.
Molecular consequence: missense variant. On other transcripts: 5 prime UTR variant (1).
Genome position (GRCh38, 1-based): chr2:158,533,189, C>T. VCF-style: chr2-158533189-C-T. GRCh37 (hg19) VCF-style: chr2-159389701-C-T.
Other names: c.5C>T, p.Pro2Leu (NM_001005476.4, NM_001304969.3, NM_001304971.2 and 9 more transcripts); c.-945C>T (NM_001304970.3); short protein forms P2L.
Identifiers: ClinVar variation 3307141 (VCV003307141.1).